The following is an entry in ClinVar:

ClinVar aggregate classification (germline): Uncertain significance (1 of 4 stars; one submission).

Conditions:
Paroxysmal nonkinesigenic dyskinesia. Also called: Paroxysmal non-kinesigenic dyskinesia. Identifiers: Orphanet 98810, MedGen C1869117, MONDO:0700088.

Submission:

Labcorp Genetics (formerly Invitae), Labcorp
Classification: Uncertain significance for Paroxysmal nonkinesigenic dyskinesia. Last evaluated: 2020-05-13. Review status: criteria provided, single submitter. Criteria: Invitae Variant Classification Sherloc (09022015). Collection method: clinical testing. Allele origin: germline.
Comment: This variant results in a copy number gain of the genomic region encompassing exons 3-10 of the PNKD gene. The 5' boundary is likely confined to intron 2. The 3' end of this event is unknown as it extends beyond the assayed region for this gene and therefore may encompass additional genes. As the precise location of this event is unknown, it may be in tandem or it may be located elsewhere in the genome. This variant has not been reported in the literature in individuals with PNKD-related conditions. Experimental studies and prediction algorithms are not available or were not evaluated, and the functional significance of this variant is currently unknown. In summary, the available evidence is currently insufficient to determine the role of this variant in disease. Therefore, it has been classified as a Variant of Uncertain Significance.

NC_000002.11:g.(?_219204486)_(219209724_?)dup

Gene: PNKD (PNKD metallo-beta-lactamase domain containing; plus strand). Cytogenetic location: 2q35.
Variant type: Duplication.
Identifiers: ClinVar variation 1004274 (VCV001004274.1).